The following is an entry in ClinVar:

ClinVar aggregate classification (germline): Uncertain significance. Review status: criteria provided, multiple submitters, no conflicts (2 of 4 stars). 2 submissions from 2 submitters: Uncertain significance (2). Last evaluated 2023-03-24.

Conditions:
Catecholaminergic polymorphic ventricular tachycardia 1. Also called: RYR2-Related Catecholaminergic Polymorphic Ventricular Tachycardia; VENTRICULAR TACHYCARDIA, STRESS-INDUCED POLYMORPHIC 1; VENTRICULAR TACHYCARDIA, CATECHOLAMINERGIC POLYMORPHIC, 1, WITH OR WITHOUT ATRIAL DYSFUNCTION AND/OR DILATED CARDIOMYOPATHY. Identifiers: Orphanet 3286, MedGen C1631597, MONDO:0011484, OMIM 604772.
Cardiovascular phenotype. Identifiers: MedGen CN230736.

Allele frequency attached by ClinVar (database versions not stated): gnomAD exomes below 0.00001.
gnomAD v4.1: 2 of 1,613,276 alleles (0.00012%); highest among the groups gnomAD compares: East Asian, 0.0045%; no homozygotes.

Submissions (2):

Ambry Genetics
Classification: Uncertain significance for Cardiovascular phenotype. Last evaluated: 2023-03-24. Review status: criteria provided, single submitter. Criteria: Ambry Variant Classification Scheme 2023. Collection method: clinical testing. Allele origin: germline.
Comment: The p.P244T variant (also known as c.730C>A), located in coding exon 8 of the TRDN gene, results from a C to A substitution at nucleotide position 730. The proline at codon 244 is replaced by threonine, an amino acid with highly similar properties. This amino acid position is conserved. In addition, this alteration is predicted to be tolerated by in silico analysis. Since supporting evidence is limited at this time, the clinical significance of this alteration remains unclear.

Labcorp Genetics (formerly Invitae), Labcorp
Classification: Uncertain significance for Catecholaminergic polymorphic ventricular tachycardia 1. Last evaluated: 2021-09-15. Review status: criteria provided, single submitter. Criteria: Invitae Variant Classification Sherloc (09022015). Collection method: clinical testing. Allele origin: germline.
Comment: This sequence change replaces proline with threonine at codon 244 of the TRDN protein (p.Pro244Thr). The proline residue is moderately conserved and there is a small physicochemical difference between proline and threonine. This variant is not present in population databases (ExAC no frequency). In summary, the available evidence is currently insufficient to determine the role of this variant in disease. Therefore, it has been classified as a Variant of Uncertain Significance. Algorithms developed to predict the effect of missense changes on protein structure and function output the following: SIFT: "Deleterious"; PolyPhen-2: "Benign"; Align-GVGD: "Class C0". The threonine amino acid residue is found in multiple mammalian species, which suggests that this missense change does not adversely affect protein function. This variant has not been reported in the literature in individuals affected with TRDN-related conditions.

NM_006073.4(TRDN):c.730C>A (p.Pro244Thr)

Gene: TRDN (triadin; minus strand). Cytogenetic location: 6q22.31.
Variant type: single nucleotide variant.
Coding change: c.730C>A on transcript NM_006073.4 (MANE Select); coding-DNA position 730, C replaced by A.
Protein change: p.Pro244Thr; replaces proline 244 with threonine.
Molecular consequence: missense variant.
Genome position (GRCh38, 1-based): chr6:123,503,782, G>T on the plus strand (C>A on the coding strand, the complement: TRDN is on the minus strand). VCF-style: chr6-123503782-G-T. GRCh37 (hg19) VCF-style: chr6-123824927-G-T.
Other names: c.730C>A (NM_006073.2); c.730C>A, p.Pro244Thr (NM_001251987.2, NM_001256020.2, NM_001256021.2); short protein forms P244T.
Identifiers: ClinVar variation 1418033 (VCV001418033.11), dbSNP rs2114833034, ClinGen allele CA365567675.